The following is an entry in ClinVar:

ClinVar aggregate classification (germline): Conflicting classifications of pathogenicity. Review status: criteria provided, conflicting classifications (1 of 4 stars). 4 submissions from 4 submitters: Uncertain significance (2); Benign (1); Likely benign (1). Last evaluated 2025-08-09.

Conditions:
Pseudohypoparathyroidism type 1B (PHP1B). Also called: Pseudohypoparathyroidism Ib (PHP-Ib); Pseudohypoparathyroidism Type IB; PHP IB. Identifiers: Orphanet 94089, MedGen C1864100, MONDO:0011301, OMIM 603233.
Inborn genetic diseases. Identifiers: MedGen C0950123, MeSH D030342.

Allele frequency attached by ClinVar (database versions not stated): gnomAD exomes 0.00005; ExAC 0.00007; TOPMed 0.00013; gnomAD 0.00014 and 0.00016; 1000 Genomes Project 30x 0.00094; 1000 Genomes Project 0.00120.
gnomAD v4.1: 62 of 1,613,940 alleles (0.0038%); highest among the groups gnomAD compares: African/African-American, 0.044%; no homozygotes.

Submissions (4):

Ambry Genetics
Classification: Uncertain significance for Inborn genetic diseases. Last evaluated: 2025-08-09. Review status: criteria provided, single submitter. Criteria: Ambry Variant Classification Scheme 2023. Collection method: clinical testing. Allele origin: germline.

Labcorp Genetics (formerly Invitae), Labcorp
Classification: Uncertain significance. Last evaluated: 2025-06-08. Review status: criteria provided, single submitter. Criteria: Invitae Variant Classification Sherloc (09022015). Collection method: clinical testing. Allele origin: germline.
Comment: This sequence change replaces arginine, which is basic and polar, with tryptophan, which is neutral and slightly polar, at codon 236 of the STX16 protein (p.Arg236Trp). This variant is present in population databases (rs188308261, gnomAD 0.06%), and has an allele count higher than expected for a pathogenic variant. This variant has not been reported in the literature in individuals affected with STX16-related conditions. ClinVar contains an entry for this variant (Variation ID: 896873). Invitae Evidence Modeling of protein sequence and biophysical properties (such as structural, functional, and spatial information, amino acid conservation, physicochemical variation, residue mobility, and thermodynamic stability) indicates that this missense variant is expected to disrupt STX16 protein function with a positive predictive value of 80%. In summary, the available evidence is currently insufficient to determine the role of this variant in disease. Therefore, it has been classified as a Variant of Uncertain Significance.

Fulgent Genetics
Classification: Likely benign for Pseudohypoparathyroidism type 1B. Last evaluated: 2024-04-22. Review status: criteria provided, single submitter. Criteria: ACMG Guidelines, 2015. Collection method: clinical testing. Allele origin: germline.

Illumina Laboratory Services, Illumina
Classification: Benign for Pseudohypoparathyroidism type 1B. Last evaluated: 2018-01-12. Review status: criteria provided, single submitter. Criteria: ICSL Variant Classification Criteria 13 December 2019. Collection method: clinical testing. Allele origin: germline.
Comment: This variant was observed in the ICSL laboratory as part of a predisposition screen in an ostensibly healthy population. It had not been previously curated by ICSL or reported in the Human Gene Mutation Database (HGMD: prior to June 1st, 2018), and was therefore a candidate for classification through an automated scoring system. Utilizing variant allele frequency, disease prevalence and penetrance estimates, and inheritance mode, an automated score was calculated to assess if this variant is too frequent to cause the disease. Based on the score and internal cut-off values, a variant classified as benign is not then subjected to further curation. The score for this variant resulted in a classification of benign for this disease.

NM_001001433.3(STX16):c.706C>T (p.Arg236Trp)

Genes: STX16 (syntaxin 16; plus strand), STX16-NPEPL1 (STX16-NPEPL1 readthrough (NMD candidate); plus strand). Cytogenetic location: 20q13.32.
Variant type: single nucleotide variant.
Coding change: c.706C>T on transcript NM_001001433.3 (MANE Select); coding-DNA position 706, C replaced by T.
Protein change: p.Arg236Trp; replaces arginine 236 with tryptophan.
Molecular consequence: missense variant. On other transcripts: non-coding transcript variant (4).
Genome position (GRCh38, 1-based): chr20:58,671,211, C>T. VCF-style: chr20-58671211-C-T. GRCh37 (hg19) VCF-style: chr20-57246267-C-T.
Other names: c.694C>T, p.Arg232Trp (NM_001134772.3); c.655C>T, p.Arg219Trp (NM_001134773.3); c.547C>T, p.Arg183Trp (NM_001204868.2); c.643C>T, p.Arg215Trp (NM_003763.6); short protein forms R219W, R183W, R232W, R215W, R236W.
Identifiers: ClinVar variation 896873 (VCV000896873.8), dbSNP rs188308261, ClinGen allele CA9925403.
Genomic context (GRCh38, chr20:58,671,211, plus strand): 5'-TAGGGTTTTACAGAGGACCAGTTAGTTCTGGTGGAGCAGAACACACTGATGGTGGAAGAG[C>T]GGGAACGAGAGATTCGCCAGATTGTACAGTCCATTTCTGACCTGAATGAAATATTCAGGG-3'
Protein context (NP_001001433.1, residues 226-246): VEQNTLMVEE[Arg236Trp]EREIRQIVQS